The following is an entry in ClinVar:

ClinVar aggregate classification (germline): Uncertain significance (1 of 4 stars; one submission).

Submission:

CeGaT Center for Human Genetics Tuebingen
Classification: Uncertain significance. Last evaluated: 2026-08-01. Review status: criteria provided, single submitter. Criteria: CeGaT Center For Human Genetics Tuebingen Variant Classification Criteria Version 2. Collection method: clinical testing. Allele origin: germline. Affected: yes. Observed: 1 variant allele.
Comment: BACH2: PM2, BP4

NM_021813.4(BACH2):c.1379A>C (p.Glu460Ala)

Gene: BACH2 (BACH transcriptional regulator 2; minus strand). Cytogenetic location: 6q15.
Variant type: single nucleotide variant.
Coding change: c.1379A>C on transcript NM_021813.4 (MANE Select); coding-DNA position 1379, A replaced by C.
Protein change: p.Glu460Ala; replaces glutamic acid 460 with alanine.
Molecular consequence: missense variant.
Genome position (GRCh38, 1-based): chr6:89,950,727, T>G on the plus strand (A>C on the coding strand, the complement: BACH2 is on the minus strand). VCF-style: chr6-89950727-T-G. GRCh37 (hg19) VCF-style: chr6-90660446-T-G.
Other names: c.1379A>C, p.Glu460Ala (NM_001170794.2); short protein forms E460A.
Identifiers: ClinVar variation 5039836 (VCV005039836.1).